The following is an entry in ClinVar:

ClinVar aggregate classification (germline): Uncertain significance (1 of 4 stars; one submission).

Conditions:
SCAPER-related disorder. Also called: SCAPER-related condition.

gnomAD v4.1: 14 of 1,578,368 alleles (0.00089%); highest among the groups gnomAD compares: East Asian, 0.0023%; no homozygotes.

Submission:

PreventionGenetics, part of Exact Sciences
Classification: Uncertain significance for SCAPER-related condition. Last evaluated: 2026-05-18. Review status: criteria provided, single submitter. Criteria: ACMG Guidelines, 2015. Collection method: clinical testing. Allele origin: germline.
Comment: The SCAPER c.2024G>A variant is predicted to result in the amino acid substitution p.Arg675His. To our knowledge, this variant has not been reported in the literature. This variant is reported in 0.033% of alleles in individuals of Ashkenazi Jewish descent in gnomAD. At this time, the clinical significance of this variant is uncertain due to the absence of conclusive functional and genetic evidence.

NM_020843.4(SCAPER):c.2006G>A (p.Arg669His)

Gene: SCAPER (S-phase cyclin A associated protein in the ER; minus strand). Cytogenetic location: 15q24.3.
Variant type: single nucleotide variant.
Coding change: c.2006G>A on transcript NM_020843.4 (MANE Select); coding-DNA position 2006, G replaced by A.
Protein change: p.Arg669His; replaces arginine 669 with histidine.
Molecular consequence: missense variant. On other transcripts: non-coding transcript variant (1).
Genome position (GRCh38, 1-based): chr15:76,733,245, C>T on the plus strand (G>A on the coding strand, the complement: SCAPER is on the minus strand). VCF-style: chr15-76733245-C-T. GRCh37 (hg19) VCF-style: chr15-77025586-C-T.
Other names: c.1268G>A, p.Arg423His (NM_001145923.2); c.2024G>A, p.Arg675His (NM_001353009.2); c.1604G>A, p.Arg535His (NM_001353010.2, NM_001353012.2); c.1622G>A, p.Arg541His (NM_001353011.2); short protein forms R541H, R423H, R535H, R669H, R675H.
Identifiers: ClinVar variation 4987982 (VCV004987982.1).